The following is an entry in ClinVar:

NM_001003800.2(BICD2):c.1123C>G (p.His375Asp)

Gene: BICD2 (BICD cargo adaptor 2; minus strand). Cytogenetic location: 9q22.31.
Variant type: single nucleotide variant.
Coding change: c.1123C>G on transcript NM_001003800.2 (MANE Select); coding-DNA position 1123, C replaced by G.
Protein change: p.His375Asp; replaces histidine 375 with aspartic acid.
Molecular consequence: missense variant.
Genome position (GRCh38, 1-based): chr9:92,719,522, G>C on the plus strand (C>G on the coding strand, the complement: BICD2 is on the minus strand). VCF-style: chr9-92719522-G-C. GRCh37 (hg19) VCF-style: chr9-95481804-G-C.
Other names: c.1123C>G (NM_001003800.1); c.1123C>G, p.His375Asp (NM_015250.4); short protein forms H375D.
Identifiers: ClinVar variation 3009897 (VCV003009897.4), dbSNP rs2490448121, ClinGen allele CA374040581.
Genomic context (GRCh38, chr9:92,719,522, plus strand): 5'-TCAGATTCTCTGTGAGGCGGGTCACCTTCTCCTGCTGTTCTGACAGGGAGCCCCGCGTGT[G>C]CTCCAGCTGCTTCTGTGTGTCCTGCAGCGTTGCCAGCAGGCCCGCCTTTTCCCGCTCCAT-3'
Protein context (NP_001003800.1, residues 365-385): TLQDTQKQLE[His375Asp]TRGSLSEQQE

ClinVar aggregate classification (germline): Uncertain significance. Review status: criteria provided, multiple submitters, no conflicts (2 of 4 stars). 2 submissions from 2 submitters: Uncertain significance (2). Last evaluated 2024-09-08.

Conditions:
Autosomal dominant childhood-onset proximal spinal muscular atrophy with contractures (SMALED2A). Also called: Spinal muscular atrophy, lower extremity-predominant, 2A, autosomal dominant; SPINAL MUSCULAR ATROPHY, LOWER EXTREMITY-PREDOMINANT, 2A, CHILDHOOD ONSET, AUTOSOMAL DOMINANT. Identifiers: Orphanet 363447, Orphanet 363454, MedGen C4747715, MONDO:0014121, OMIM 615290.
Inborn genetic diseases. Identifiers: MedGen C0950123, MeSH D030342.

gnomAD v4.1: 38 of 1,613,218 alleles (0.0024%); highest among the groups gnomAD compares: Non-Finnish European, 0.0031%; no homozygotes.

Submissions (2):

Ambry Genetics
Classification: Uncertain significance for Inborn genetic diseases. Last evaluated: 2024-09-08. Review status: criteria provided, single submitter. Criteria: Ambry Variant Classification Scheme 2023. Collection method: clinical testing. Allele origin: germline.

Labcorp Genetics (formerly Invitae), Labcorp
Classification: Uncertain significance for Autosomal dominant childhood-onset proximal spinal muscular atrophy with contractures. Last evaluated: 2023-11-30. Review status: criteria provided, single submitter. Criteria: Invitae Variant Classification Sherloc (09022015). Collection method: clinical testing. Allele origin: germline.
Comment: This sequence change replaces histidine, which is basic and polar, with aspartic acid, which is acidic and polar, at codon 375 of the BICD2 protein (p.His375Asp). This variant is not present in population databases (gnomAD no frequency). This variant has not been reported in the literature in individuals affected with BICD2-related conditions. Advanced modeling of protein sequence and biophysical properties (such as structural, functional, and spatial information, amino acid conservation, physicochemical variation, residue mobility, and thermodynamic stability) performed at Invitae indicates that this missense variant is not expected to disrupt BICD2 protein function with a negative predictive value of 80%. In summary, the available evidence is currently insufficient to determine the role of this variant in disease. Therefore, it has been classified as a Variant of Uncertain Significance.